The following is an entry in ClinVar:

NM_138387.4(G6PC3):c.1025C>T (p.Pro342Leu)

Gene: G6PC3 (glucose-6-phosphatase catalytic subunit 3; plus strand). Cytogenetic location: 17q21.31.
Variant type: single nucleotide variant.
Coding change: c.1025C>T on transcript NM_138387.4 (MANE Select); coding-DNA position 1025, C replaced by T.
Protein change: p.Pro342Leu; replaces proline 342 with leucine.
Molecular consequence: missense variant. On other transcripts: 3 prime UTR variant (1).
Genome position (GRCh38, 1-based): chr17:44,076,027, C>T. VCF-style: chr17-44076027-C-T. GRCh37 (hg19) VCF-style: chr17-42153395-C-T.
Other names: c.*318C>T (NM_001319945.2); c.680C>T, p.Pro227Leu (NM_001384165.1, NM_001384166.1, NM_001384167.1 and 1 more transcripts); short protein forms P342L, P227L.
Identifiers: ClinVar variation 4027610 (VCV004027610.1).

ClinVar aggregate classification (germline): Uncertain significance (1 of 4 stars; one submission).

Conditions:
Inborn genetic diseases. Identifiers: MedGen C0950123, MeSH D030342.

Submission:

Ambry Genetics
Classification: Uncertain significance for Inborn genetic diseases. Last evaluated: 2025-05-22. Review status: criteria provided, single submitter. Criteria: Ambry Variant Classification Scheme 2023. Collection method: clinical testing. Allele origin: germline.
Comment: The p.P342L variant (also known as c.1025C>T), located in coding exon 6 of the G6PC3 gene, results from a C to T substitution at nucleotide position 1025. The proline at codon 342 is replaced by leucine, an amino acid with similar properties. This amino acid position is conserved. In addition, this alteration is predicted to be tolerated by in silico analysis. Based on the available evidence, the clinical significance of this variant remains unclear.